The following is an entry in ClinVar:

NM_001289125.3(IFNAR2):c.971G>A (p.Ser324Asn)

Genes: IFNAR2 (interferon alpha and beta receptor subunit 2; plus strand), IFNAR2-IL10RB (IFNAR2-IL10RB readthrough; plus strand). Cytogenetic location: 21q22.11.
Variant type: single nucleotide variant.
Coding change: c.971G>A on transcript NM_001289125.3 (MANE Select); coding-DNA position 971, G replaced by A.
Protein change: p.Ser324Asn; replaces serine 324 with asparagine.
Molecular consequence: missense variant. On other transcripts: 3 prime UTR variant (5).
Genome position (GRCh38, 1-based): chr21:33,262,923, G>A. VCF-style: chr21-33262923-G-A. GRCh37 (hg19) VCF-style: chr21-34635228-G-A.
Other names: c.*207G>A (NM_000874.5, NM_207584.3); c.*120G>A (NM_001289126.2, NM_001289128.2); c.*346G>A (NM_001385054.1); c.971G>A, p.Ser324Asn (NM_001385055.1, NM_207585.3); c.971G>A (NM_207585.1); short protein forms S324N.
Identifiers: ClinVar variation 1523705 (VCV001523705.5), dbSNP rs201411274, ClinGen allele CA10005884.

ClinVar aggregate classification (germline): Uncertain significance. Review status: criteria provided, multiple submitters, no conflicts (2 of 4 stars). 2 submissions from 2 submitters: Uncertain significance (2). Last evaluated 2024-12-09.

Allele frequency attached by ClinVar (database versions not stated): gnomAD exomes 0.00010 and 0.00014; ExAC 0.00011; gnomAD 0.00017 and 0.00019; TOPMed 0.00029.
gnomAD v4.1: 187 of 1,614,078 alleles (0.012%); highest among the groups gnomAD compares: Middle Eastern, 0.15%; no homozygotes.

Submissions (2):

Labcorp Genetics (formerly Invitae), Labcorp
Classification: Uncertain significance. Last evaluated: 2024-12-09. Review status: criteria provided, single submitter. Criteria: Invitae Variant Classification Sherloc (09022015). Collection method: clinical testing. Allele origin: germline.
Comment: This sequence change replaces serine, which is neutral and polar, with asparagine, which is neutral and polar, at codon 324 of the IFNAR2 protein (p.Ser324Asn). This variant is present in population databases (rs201411274, gnomAD 0.05%). This variant has not been reported in the literature in individuals affected with IFNAR2-related conditions. ClinVar contains an entry for this variant (Variation ID: 1523705). An algorithm developed to predict the effect of missense changes on protein structure and function outputs the following: PolyPhen-2: "Benign". The asparagine amino acid residue is found in multiple mammalian species, which suggests that this missense change does not adversely affect protein function. In summary, the available evidence is currently insufficient to determine the role of this variant in disease. Therefore, it has been classified as a Variant of Uncertain Significance.

Ambry Genetics
Classification: Uncertain significance. Last evaluated: 2021-08-12. Review status: criteria provided, single submitter. Criteria: Ambry Variant Classification Scheme 2023. Collection method: clinical testing. Allele origin: germline.